The following is an entry in ClinVar:

ClinVar aggregate classification (germline): Uncertain significance (1 of 4 stars; one submission).

Conditions:
Aortic aneurysm, familial thoracic 4 (AAT4). Also called: AORTIC ANEURYSM/AORTIC DISSECTION AND PATENT DUCTUS ARTERIOSUS. Identifiers: MedGen C1851504, MONDO:0007568, OMIM 132900.

gnomAD v4.1: 1 of 1,613,944 alleles (0.000062%); highest among the groups gnomAD compares: Non-Finnish European, 0.000085%; no homozygotes.

Submission:

Labcorp Genetics (formerly Invitae), Labcorp
Classification: Uncertain significance for Aortic aneurysm, familial thoracic 4. Last evaluated: 2021-09-12. Review status: criteria provided, single submitter. Criteria: Invitae Variant Classification Sherloc (09022015). Collection method: clinical testing. Allele origin: germline.
Comment: This sequence change replaces serine with asparagine at codon 1933 of the MYH11 protein (p.Ser1933Asn). The serine residue is highly conserved and there is a small physicochemical difference between serine and asparagine. This variant is not present in population databases (ExAC no frequency). This variant has not been reported in the literature in individuals affected with MYH11-related conditions. Algorithms developed to predict the effect of missense changes on protein structure and function are either unavailable or do not agree on the potential impact of this missense change (SIFT: "Deleterious"; PolyPhen-2: "Benign"; Align-GVGD: "Class C45"). In summary, the available evidence is currently insufficient to determine the role of this variant in disease. Therefore, it has been classified as a Variant of Uncertain Significance.

NM_002474.3(MYH11):c.5777G>A (p.Ser1926Asn)

Genes: MYH11 (myosin heavy chain 11; minus strand), NDE1 (nudE neurodevelopment protein 1; plus strand). Cytogenetic location: 16p13.11.
Variant type: single nucleotide variant.
Coding change: c.5777G>A on transcript NM_002474.3 (MANE Select); coding-DNA position 5777, G replaced by A.
Protein change: p.Ser1926Asn; replaces serine 1926 with asparagine.
Molecular consequence: missense variant. On other transcripts: intron variant (2).
Genome position (GRCh38, 1-based): chr16:15,714,918, C>T on the plus strand (G>A on the coding strand, the complement: MYH11 is on the minus strand). VCF-style: chr16-15714918-C-T. GRCh37 (hg19) VCF-style: chr16-15808775-C-T.
Other names: c.5798G>A, p.Ser1933Asn (NM_001040113.2, NM_001040114.2); c.5777G>A, p.Ser1926Asn (NM_022844.3); c.948-9273C>T (NM_001143979.2, NM_017668.3); short protein forms S1926N, S1933N.
Identifiers: ClinVar variation 1494983 (VCV001494983.6), dbSNP rs2151191803, ClinGen allele CA394846229.